The following is an entry in ClinVar:

NM_000245.4(MET):c.2583+7A>T

Gene: MET (MET proto-oncogene, receptor tyrosine kinase; plus strand). Cytogenetic location: 7q31.2.
Variant type: single nucleotide variant.
Coding change: c.2583+7A>T on transcript NM_000245.4 (MANE Select); 7 bases into the intron after coding-DNA position 2583, A replaced by T.
Molecular consequence: intron variant.
Genome position (GRCh38, 1-based): chr7:116,763,275, A>T. VCF-style: chr7-116763275-A-T. GRCh37 (hg19) VCF-style: chr7-116403329-A-T.
Other names: c.2637+7A>T (NM_001127500.3); c.1293+7A>T (NM_001324402.2); c.2583+7A>T (NM_001324401.3).
Identifiers: ClinVar variation 1636006 (VCV001636006.9), dbSNP rs756403758, ClinGen allele CA4448506.
Genomic context (GRCh38, chr7:116,763,275, plus strand): 5'-TTTGAAAAGCCAGTGATGATCTCAATGGGCAATGAAAATGTACTGGAAATTAAGGTAAGA[A>T]ATGCTTTAAACACTGTCTTAAATCATCAGCTCAAACTTAATTGACTTCATAGCTATGTGA-3'

ClinVar aggregate classification (germline): Likely benign. Review status: criteria provided, multiple submitters, no conflicts (2 of 4 stars). 2 submissions from 2 submitters: Likely benign (2). Last evaluated 2024-11-11.

Conditions:
Renal cell carcinoma. Identifiers: Orphanet 217071, MedGen C0007134, MeSH D002292, MONDO:0005086, HP:0005584.
Papillary renal cell carcinoma type 1 (RCCP1). Also called: Renal adenocarcinoma; Renal cell carcinoma 1; Renal cell carcinoma, somatic; RENAL CELL CARCINOMA, PAPILLARY, 1, SOMATIC. Identifiers: Orphanet 47044, MedGen C1336839, OMIM 605074, HP:0011797.

Allele frequency attached by ClinVar (database versions not stated): TOPMed below 0.00001; gnomAD exomes 0.00001; ExAC 0.00002.
gnomAD v4.1: 10 of 1,610,892 alleles (0.00062%); highest among the groups gnomAD compares: Non-Finnish European, 0.00085%; no homozygotes.

Submissions (2):

Myriad Genetics, Inc.
Classification: Likely benign for Papillary renal cell carcinoma type 1. Last evaluated: 2024-11-11. Review status: criteria provided, single submitter. Criteria: Myriad Autosomal Dominant, Autosomal Recessive and X-Linked Classification Criteria (2023). Collection method: clinical testing. Allele origin: unknown.
Comment: This variant is considered likely benign. This variant is intronic and is not expected to impact mRNA splicing.

Labcorp Genetics (formerly Invitae), Labcorp
Classification: Likely benign for Renal cell carcinoma. Last evaluated: 2024-07-10. Review status: criteria provided, single submitter. Criteria: Invitae Variant Classification Sherloc (09022015). Collection method: clinical testing. Allele origin: germline.